The following is an entry in ClinVar:

ClinVar aggregate classification (germline): Pathogenic (1 of 4 stars; one submission).

Submission:

GeneDx
Classification: Pathogenic. Last evaluated: 2016-10-24. Review status: criteria provided, single submitter. Criteria: GeneDx Variant Classification (06012015). Collection method: clinical testing. Allele origin: germline. Affected: yes.
Comment: The G328D pathogenic variant has been listed as a pathogenic variant in association with non-lethal type III osteogenesis imperfecta (Marini et. al. 2007); however, no clinical evidence was provided. G328D occurs in the triple helical domain and replaces the Glycine in the canonical Gly-X-Y repeat. Mutations in these Glycines result in poor winding of the collagen triple helix and a less functional protein. The G328D variant was not observed in approximately 6500 individuals of European and African American ancestry in the NHLBI Exome Sequencing Project, indicating it is not a common benign variant in these populations. The G328D variant is a non-conservative amino acid substitution, which is likely to impact secondary protein structure as these residues differ in polarity, charge, size and/or other properties. This substitution occurs at a position that is conserved across species. In silico analysis predicts this variant is probably damaging to the protein structure/function. Missense variants at the same Glycine residue (Gly328Ser/Cys) and in nearby Glycine residues (Gly322Ser, Gly325Glu, Gly331Asp/Val) have been reported in the Human Gene Mutation Database in association with osteogenesis imperfecta (Stenson et al., 2014), supporting the functional importance of this region of the protein.

NM_000089.4(COL1A2):c.983G>A (p.Gly328Asp)

Gene: COL1A2 (collagen type I alpha 2 chain; plus strand). Cytogenetic location: 7q21.3.
Variant type: single nucleotide variant.
Coding change: c.983G>A on transcript NM_000089.4 (MANE Select); coding-DNA position 983, G replaced by A.
Protein change: p.Gly328Asp; replaces glycine 328 with aspartic acid.
Molecular consequence: missense variant.
Genome position (GRCh38, 1-based): chr7:94,409,769, G>A. VCF-style: chr7-94409769-G-A. GRCh37 (hg19) VCF-style: chr7-94039081-G-A.
Other names: short protein forms G328D.
Identifiers: ClinVar variation 372735 (VCV000372735.2), dbSNP rs72656396, ClinGen allele CA16042606.